The following is an entry in ClinVar:

NM_015404.4(WHRN):c.2290A>G (p.Ser764Gly)

Gene: WHRN (whirlin; minus strand). Cytogenetic location: 9q32.
Variant type: single nucleotide variant.
Coding change: c.2290A>G on transcript NM_015404.4 (MANE Select); coding-DNA position 2290, A replaced by G.
Protein change: p.Ser764Gly; replaces serine 764 with glycine.
Molecular consequence: missense variant.
Genome position (GRCh38, 1-based): chr9:114,404,024, T>C on the plus strand (A>G on the coding strand, the complement: WHRN is on the minus strand). VCF-style: chr9-114404024-T-C. GRCh37 (hg19) VCF-style: chr9-117166304-T-C.
Other names: c.1141A>G, p.Ser381Gly (NM_001083885.3); c.2287A>G, p.Ser763Gly (NM_001173425.2); c.1237A>G, p.Ser413Gly (NM_001346890.1); short protein forms S413G, S764G, S381G, S763G.
Identifiers: ClinVar variation 959827 (VCV000959827.8), dbSNP rs1834853946, ClinGen allele CA374619890.
Genomic context (GRCh38, chr9:114,404,024, plus strand): 5'-ACACCGACTGCCTTCCTCGGCCTGGGGCGCTGGCCTCTGCCTCGCCAGCATCCACACCAC[T>C]GTCCTCGCTTAGAGTCTGCCCGCTGTCCGAGAGCTGGGAGAGCGTAGAGGCTGCTGGAGA-3'
Protein context (NP_056219.3, residues 754-774): SDSGQTLSED[Ser764Gly]GVDAGEAEAS

ClinVar aggregate classification (germline): Uncertain significance (1 of 4 stars; one submission).

Allele frequency attached by ClinVar (database versions not stated): gnomAD exomes below 0.00001; TOPMed below 0.00001.
gnomAD v4.1: 5 of 1,613,438 alleles (0.00031%); highest among the groups gnomAD compares: Non-Finnish European, 0.00042%; no homozygotes.

Submission:

Labcorp Genetics (formerly Invitae), Labcorp
Classification: Uncertain significance. Last evaluated: 2019-11-13. Review status: criteria provided, single submitter. Criteria: Invitae Variant Classification Sherloc (09022015). Collection method: clinical testing. Allele origin: germline.
Comment: This sequence change replaces serine with glycine at codon 764 of the WHRN protein (p.Ser764Gly). The serine residue is highly conserved and there is a small physicochemical difference between serine and glycine. This variant is not present in population databases (ExAC no frequency). This variant has not been reported in the literature in individuals with WHRN-related conditions. Algorithms developed to predict the effect of missense changes on protein structure and function are either unavailable or do not agree on the potential impact of this missense change (SIFT: "Tolerated"; PolyPhen-2: "Probably Damaging"; Align-GVGD: "Class C0"). In summary, the available evidence is currently insufficient to determine the role of this variant in disease. Therefore, it has been classified as a Variant of Uncertain Significance.